The following is an entry in ClinVar:

NM_017951.5(SMPD4):c.1220C>T (p.Pro407Leu)

Gene: SMPD4 (sphingomyelin phosphodiesterase 4; minus strand). Cytogenetic location: 2q21.1.
Variant type: single nucleotide variant.
Coding change: c.1220C>T on transcript NM_017951.5 (MANE Select); coding-DNA position 1220, C replaced by T.
Protein change: p.Pro407Leu; replaces proline 407 with leucine.
Molecular consequence: missense variant. On other transcripts: non-coding transcript variant (2).
Genome position (GRCh38, 1-based): chr2:130,156,104, G>A on the plus strand (C>T on the coding strand, the complement: SMPD4 is on the minus strand). VCF-style: chr2-130156104-G-A. GRCh37 (hg19) VCF-style: chr2-130913677-G-A.
Other names: c.1031C>T, p.Pro344Leu (NM_001171083.2); c.1250C>T, p.Pro417Leu (NM_017751.4); c.1337C>T (NM_017951.4); short protein forms P446L, P344L, P417L, P407L.
Identifiers: ClinVar variation 691972 (VCV000691972.5), dbSNP rs747433356, ClinGen allele CA1869850.
Genomic context (GRCh38, chr2:130,156,104, plus strand): 5'-GACACACACCGGGGCTGGGAGTCGCTGCCCGGAGCCTGCTTGTCAGGCGCGTACCGCCAC[G>A]GCTGCAGGTAGCTCAGCCACATCTCCAGGACCTGTGGGGGAGGTGTGTGCTAAGGGCTCC-3'
Protein context (NP_060421.3, residues 397-417): VLEMWLSYLQ[Pro407Leu]WRYAPDKQAP

ClinVar aggregate classification (germline): Conflicting classifications of pathogenicity. Review status: criteria provided, conflicting classifications (1 of 4 stars). 5 submissions from 5 submitters: Pathogenic (1); Uncertain significance (3). 1 of the submissions does not count toward it. Last evaluated 2024-03-29.

Conditions:
Neurodevelopmental disorder with microcephaly, arthrogryposis, and structural brain anomalies. Identifiers: Orphanet 664923, MedGen C5231431, MONDO:0032838, OMIM 618622.
SMPD4-related disorders.

Allele frequency attached by ClinVar (database versions not stated): ExAC 0.00001; TOPMed 0.00002; gnomAD 0.00003 and 0.00004.
gnomAD v4.1: 14 of 1,611,106 alleles (0.00087%); highest among the groups gnomAD compares: Admixed American, 0.0017%; no homozygotes.

Submissions (5):

Genomic Medicine Center of Excellence, King Faisal Specialist Hospital and Research Centre
Classification: Uncertain significance for Neurodevelopmental disorder with microcephaly, arthrogryposis, and structural brain anomalies. Last evaluated: 2024-03-29. Review status: criteria provided, single submitter. Criteria: ACMG Guidelines, 2015. Collection method: clinical testing. Allele origin: germline.

Blueprint Genetics
Classification: Pathogenic for SMPD4-related disorders. Last evaluated: 2021-07-19. Review status: criteria provided, single submitter. Criteria: ACMG Guidelines, 2015. Collection method: clinical testing. Allele origin: germline. Affected: yes. Observed: 5 variant alleles.

Broad Center for Mendelian Genomics, Broad Institute of MIT and Harvard
Classification: Uncertain significance for Neurodevelopmental disorder with microcephaly, arthrogryposis, and structural brain anomalies. Last evaluated: 2020-05-29. Review status: criteria provided, single submitter. Criteria: ACMG Guidelines, 2015. Collection method: research. Allele origin: germline. Inheritance: Autosomal recessive inheritance.
Comment: The variant has been identified in 0.006% (2/35360) of Latino chromosomes by the Genome Aggregation Database (gnomAD). Although this variant has been seen in the general population, its frequency is low enough to be consistent with a recessive carrier frequency. This variant has also been reported in ClinVar (Variation ID#: 691972) as pathogenic by OMIM. Computational prediction tools and conservation analyses do not provide strong support for or against an impact to the protein. In summary, while there is some suspicion for a pathogenic role, the clinical significance of this variant is uncertain. ACMG/AMP Criteria applied: PM2, PM3_supporting (Richards 2015).

SIB Swiss Institute of Bioinformatics
Classification: Uncertain significance for Neurodevelopmental disorder with microcephaly, arthrogryposis, and structural brain anomalies. Last evaluated: 2020-02-14. Review status: criteria provided, single submitter. Criteria: ACMG Guidelines, 2015. Collection method: curation. Allele origin: unknown.
Comment: This variant is interpreted as a variant of uncertain significance for Neurodevelopmental disorder with microcephaly, arthrogryposis, and structural brain anomalies, autosomal recessive. The following ACMG Tag(s) were applied: PM2, PP3, PP1.

OMIM
Classification: Pathogenic for NEURODEVELOPMENTAL DISORDER WITH MICROCEPHALY, ARTHROGRYPOSIS, AND STRUCTURAL BRAIN ANOMALIES. Last evaluated: 2019-10-16. Review status: no assertion criteria provided. Collection method: literature only. Allele origin: germline. Not counted in ClinVar's aggregate classification.

Literature cited by the submitters: PubMed 31495489 (cited by 3 submitters).